The following is an entry in ClinVar:

ClinVar aggregate classification (germline): Uncertain significance. Review status: criteria provided, multiple submitters, no conflicts (2 of 4 stars). 3 submissions from 3 submitters: Uncertain significance (3). Last evaluated 2025-02-28.

Conditions:
Hereditary cancer-predisposing syndrome. Also called: Neoplastic Syndromes, Hereditary; Tumor predisposition; Hereditary Cancer Syndrome; Hereditary neoplastic syndrome. Identifiers: Orphanet 140162, MedGen C0027672, MeSH D009386, MONDO:0015356.
Classic or attenuated familial adenomatous polyposis. Identifiers: MedGen CN372698, MONDO:0021057.
Familial adenomatous polyposis 1 (FAP1). Also called: FAMILIAL ADENOMATOUS POLYPOSIS 1, ATTENUATED; POLYPOSIS, ADENOMATOUS INTESTINAL. Identifiers: MedGen C2713442, MONDO:0021056, OMIM 175100. Disease mechanism: loss of function.

Submissions (3):

Ambry Genetics
Classification: Uncertain significance for Hereditary cancer-predisposing syndrome. Last evaluated: 2025-02-28. Review status: criteria provided, single submitter. Criteria: Ambry Variant Classification Scheme 2023. Collection method: clinical testing. Allele origin: germline.
Comment: The p.T297R variant (also known as c.890C>G), located in coding exon 8 of the APC gene, results from a C to G substitution at nucleotide position 890. The threonine at codon 297 is replaced by arginine, an amino acid with similar properties. This amino acid position is well conserved in available vertebrate species. In addition, in silico predictors for this gene do not accurately predict pathogenicity. Missense alterations in APC are not a common cause of disease (Spier I et al. Genet Med. 2024 Feb;26(2):100992). Based on the available evidence, the clinical significance of this variant remains unclear.

All of Us Research Program, National Institutes of Health
Classification: Uncertain significance for Classic or attenuated familial adenomatous polyposis. Last evaluated: 2024-05-30. Review status: criteria provided, single submitter. Criteria: ACMG Guidelines, 2015. Collection method: clinical testing. Allele origin: germline. Inheritance: Autosomal dominant inheritance. Observed: 1 variant allele, 1 heterozygote.
Comment: This missense variant replaces threonine with arginine at codon 297 of the APC protein. Computational prediction suggests that this variant may not impact protein structure and function (internally defined REVEL score threshold <= 0.5, PMID: 27666373). To our knowledge, functional studies have not been reported for this variant. This variant has not been reported in individuals affected with APC-related disorders in the literature. This variant has not been identified in the general population by the Genome Aggregation Database (gnomAD). The available evidence is insufficient to determine the role of this variant in disease conclusively. Therefore, this variant is classified as a Variant of Uncertain Significance.

This study involves interpretation of variants in research participants for the purpose of population health screening. Participant phenotype was not available at the time of variant classification. Additional details can be found in publication PMID: 35346344, PMCID: PMC8962531

Labcorp Genetics (formerly Invitae), Labcorp
Classification: Uncertain significance for Familial adenomatous polyposis 1. Last evaluated: 2020-09-15. Review status: criteria provided, single submitter. Criteria: Invitae Variant Classification Sherloc (09022015). Collection method: clinical testing. Allele origin: germline.
Comment: In summary, the available evidence is currently insufficient to determine the role of this variant in disease. Therefore, it has been classified as a Variant of Uncertain Significance. Algorithms developed to predict the effect of missense changes on protein structure and function are either unavailable or do not agree on the potential impact of this missense change (SIFT: "Deleterious"; PolyPhen-2: "Benign"; Align-GVGD: "Class C0"). This variant has not been reported in the literature in individuals with APC-related disease. ClinVar contains an entry for this variant (Variation ID: 482470). This variant is not present in population databases (ExAC no frequency). This sequence change replaces threonine with arginine at codon 297 of the APC protein (p.Thr297Arg). The threonine residue is highly conserved and there is a moderate physicochemical difference between threonine and arginine.

NM_000038.6(APC):c.890C>G (p.Thr297Arg)

Gene: APC (APC regulator of Wnt signaling pathway; plus strand). Cytogenetic location: 5q22.2.
Variant type: single nucleotide variant.
Coding change: c.890C>G on transcript NM_000038.6 (MANE Select); coding-DNA position 890, C replaced by G.
Protein change: p.Thr297Arg; replaces threonine 297 with arginine.
Molecular consequence: missense variant.
Genome position (GRCh38, 1-based): chr5:112,815,550, C>G. VCF-style: chr5-112815550-C-G. GRCh37 (hg19) VCF-style: chr5-112151247-C-G.
Other names: c.890C>G, p.Thr297Arg (NM_001354903.2, NM_001127510.3, NM_001354895.2 and 1 more transcripts); c.920C>G, p.Thr307Arg (NM_001354902.2, NM_001354897.2); c.713C>G, p.Thr238Arg (NM_001354901.2, NM_001354900.2, NM_001354905.2); c.836C>G, p.Thr279Arg (NM_001127511.3); c.815C>G, p.Thr272Arg (NM_001354898.2, NM_001354904.2); c.806C>G, p.Thr269Arg (NM_001354899.2); c.41C>G, p.Thr14Arg (NM_001354906.2); short protein forms T279R, T297R, T14R, T269R, T272R, T307R, T238R.
Identifiers: ClinVar variation 482470 (VCV000482470.17), dbSNP rs1554079189, ClinGen allele CA16023265.
Genomic context (GRCh38, chr5:112,815,550, plus strand): 5'-TTTAGGGTTCAACTACACGAATGGACCATGAAACAGCCAGTGTTTTGAGTTCTAGTAGCA[C>G]ACACTCTGCACCTCGAAGGCTGACAAGTCATCTGGGAACCAAGGTAACAGAAGATTACAA-3'
Protein context (NP_000029.2, residues 287-307): ETASVLSSSS[Thr297Arg]HSAPRRLTSH